The following is an entry in ClinVar:

NM_000051.4(ATM):c.3154-2A>G

Gene: ATM (ATM serine/threonine kinase; plus strand). Cytogenetic location: 11q22.3.
Variant type: single nucleotide variant.
Coding change: c.3154-2A>G on transcript NM_000051.4 (MANE Select); the canonical splice acceptor site of the intron before coding-DNA position 3154, A replaced by G.
Molecular consequence: splice acceptor variant.
Genome position (GRCh38, 1-based): chr11:108,272,720, A>G. VCF-style: chr11-108272720-A-G. GRCh37 (hg19) VCF-style: chr11-108143447-A-G.
Other names: c.3154-2A>G (NM_001351834.2).
Identifiers: ClinVar variation 181940 (VCV000181940.35), dbSNP rs730881357, ClinGen allele CA298200.

ClinVar aggregate classification (germline): Pathogenic/Likely pathogenic. Review status: criteria provided, multiple submitters, no conflicts (2 of 4 stars). 12 submissions from 12 submitters: Pathogenic (10); Likely pathogenic (1). 1 of the submissions does not count toward it. Last evaluated 2026-01-28.

Conditions:
Ataxia-telangiectasia syndrome (AT). Also called: LOUIS-BAR SYNDROME; ATAXIA-TELANGIECTASIA, COMPLEMENTATION GROUP A; ATAXIA-TELANGIECTASIA, FRESNO VARIANT; Ataxia-telangiectasia; Ataxia-telangiectasia, complementation group E; Ataxia-telangiectasia, complementation group D. Identifiers: Orphanet 100, MedGen C0004135, MONDO:0008840, OMIM 208900.
Hereditary cancer-predisposing syndrome. Also called: Hereditary Cancer Syndrome; Hereditary neoplastic syndrome; Tumor predisposition; Neoplastic Syndromes, Hereditary. Identifiers: Orphanet 140162, MedGen C0027672, MeSH D009386, MONDO:0015356.
Breast-ovarian cancer, familial, susceptibility to, 1 (BROVCA1). Also called: OVARIAN CANCER, SUSCEPTIBILITY TO; BRCA1 Hereditary Breast and Ovarian Cancer. Identifiers: Orphanet 145, MedGen C2676676, MONDO:0011450, OMIM 604370. Disease mechanism: loss of function.
Familial cancer of breast. Also called: BREAST CANCER, FAMILIAL; Hereditary breast cancer; hereditary breast carcinoma. Identifiers: Orphanet 227535, MedGen C0346153, MONDO:0016419, OMIM 114480. Disease mechanism: loss of function.

Allele frequency attached by ClinVar (database versions not stated): gnomAD exomes below 0.00001; TOPMed below 0.00001; gnomAD 0.00001.
gnomAD v4.1: 2 of 1,613,828 alleles (0.00012%); highest among the groups gnomAD compares: Non-Finnish European, 0.00017%; no homozygotes.

Submissions (12):

Labcorp Genetics (formerly Invitae), Labcorp
Classification: Pathogenic for Ataxia-telangiectasia syndrome. Last evaluated: 2026-01-28. Review status: criteria provided, single submitter. Criteria: Invitae Variant Classification Sherloc (09022015). Collection method: clinical testing. Allele origin: germline.
Comment: This sequence change affects an acceptor splice site in intron 21 of the ATM gene. RNA analysis indicates that disruption of this splice site induces altered splicing and may result in an absent or altered protein product. This variant is not present in population databases (gnomAD no frequency). Disruption of this splice site has been observed in individual(s) with esophageal cancer and ataxia telangiectasia (PMID: 10980530, 31263571). In at least one individual the data is consistent with being in trans (on the opposite chromosome) from a pathogenic variant. ClinVar contains an entry for this variant (Variation ID: 181940). Studies have shown that disruption of this splice site results in activation of a cryptic splice site in intron 21, and produces a non-functional protein and/or introduces a premature termination codon (PMID: 24422204; internal data). For these reasons, this variant has been classified as Pathogenic.

Natera, Inc.
Classification: Pathogenic for Ataxia-telangiectasia. Last evaluated: 2025-06-09. Review status: criteria provided, single submitter. Criteria: Natera Variant Classification Schema (03/2026). Collection method: clinical testing. Allele origin: germline.
Comment: The c.3154-2A>G variant in ATM is a canonical splice acceptor site variant predicted to affect pre-mRNA splicing, which may result in an abnormal transcript and altered protein product. This variant is expected to result in nonsense mediated decay, truncation, or a dysfunctional protein product. This variant is rare in the general population with a frequency below the threshold expected for the associated phenotype(s). This variant has been observed in one or more individuals affected with the associated recessive disease, as either homozygous or compound heterozygous with a second variant (PMID: 10980530). Given the available evidence, this variant is classified as Pathogenic.

Baylor Genetics
Classification: Pathogenic for Familial cancer of breast. Last evaluated: 2024-02-14. Review status: criteria provided, single submitter. Criteria: ACMG Guidelines, 2015. Collection method: clinical testing. Allele origin: unknown.

Myriad Genetics, Inc.
Classification: Likely pathogenic for Familial cancer of breast. Last evaluated: 2024-01-18. Review status: criteria provided, single submitter. Criteria: Myriad Autosomal Dominant, Autosomal Recessive and X-Linked Classification Criteria (2023). Collection method: clinical testing. Allele origin: unknown.
Comment: This variant is considered likely pathogenic. This variant occurs within a consensus splice junction and is predicted to result in abnormal mRNA splicing of either an out-of-frame exon or an in-frame exon necessary for protein stability and/or normal function.

Ambry Genetics
Classification: Pathogenic for Hereditary cancer-predisposing syndrome. Last evaluated: 2023-04-24. Review status: criteria provided, single submitter. Criteria: Ambry Variant Classification Scheme 2023. Collection method: clinical testing. Allele origin: germline.
Comment: The c.3154-2A>G intronic pathogenic mutation results from an A to G substitution two nucleotides before coding exon 21 in the ATM gene. RNA analysis showed that this mutation disrupts the native splice acceptor site, leading to the insertion of 14 nucleotides from intron 21 into the transcript, and causing a translational frameshift with a predicted alternate stop codon (Laake K et al. Hum. Mutat. 2000 Sep;16:232-46, Ambry internal data). Of note, this alteration is also designated as IVS23-2A>G in published literature. This variant is considered to be rare based on population cohorts in the Genome Aggregation Database (gnomAD). This nucleotide position is highly conserved in available vertebrate species. In silico splice site analysis predicts that this alteration will weaken the native splice acceptor site and will result in the creation or strengthening of a novel splice acceptor site. In addition to the clinical data presented in the literature, alterations that disrupt the canonical splice site are expected to cause aberrant splicing, resulting in an abnormal protein or a transcript that is subject to nonsense-mediated mRNA decay. As such, this alteration is classified as a disease-causing mutation.

GeneDx
Classification: Pathogenic. Last evaluated: 2023-04-04. Review status: criteria provided, single submitter. Criteria: GeneDx Variant Classification Process June 2021. Collection method: clinical testing. Allele origin: germline. Affected: yes.
Comment: Canonical splice site variant predicted to result in a null allele in a gene for which loss of function is a known mechanism of disease; Observed in individuals with pancreatic, ovarian, and other cancers (Lilyquist et al., 2017; Hu et al., 2018; Bertelsen et al., 2019; Kim et al., 2021); Not observed at significant frequency in large population cohorts (gnomAD); Also known as IVS23-2A>G; This variant is associated with the following publications: (PMID: 27304073, 24422204, 26681312, 25561518, 14695534, 34426522, 29922827, 31263571, 28888541, 34308104, 10980530)

Institute of Human Genetics, University of Leipzig Medical Center
Classification: Pathogenic for Breast-ovarian cancer, familial, susceptibility to, 1. Last evaluated: 2023-01-02. Review status: criteria provided, single submitter. Criteria: ACMG Guidelines, 2015. Collection method: clinical testing. Allele origin: unknown. Affected: yes.
Comment: _x000D_ Criteria applied: PVS1, PS4_MOD, PM2_SUP

Color Diagnostics, LLC DBA Color Health
Classification: Pathogenic for Hereditary cancer-predisposing syndrome. Last evaluated: 2022-12-13. Review status: criteria provided, single submitter. Criteria: ACMG Guidelines, 2015. Collection method: clinical testing. Allele origin: germline.
Comment: This variant causes an A to G nucleotide substitution at the -2 position of intron 21 of the ATM gene. Functional RNA studies have shown that this variant causes an out-of-frame insertion of 14 nucleotides, resulting in a frameshift and premature stop signal (PMID:10980530, 24422204). This variant has been reported in the compound heterozygous state in two individuals affected with ataxia-telangiectasia (PMID:10980530, 24422204). This variant has also been reported in an individual affected with pancreatic cancer (PMID: 29922827) and an individual affected with gastroesophageal junction adenocarcinoma (PMID: 35078243). This variant has not been identified in the general population by the Genome Aggregation Database (gnomAD). Loss of ATM function is a known mechanism of disease. Based on the available evidence, this variant is classified as Pathogenic.

Greenwood Genetic Center Diagnostic Laboratories, Greenwood Genetic Center
Classification: Pathogenic. Last evaluated: 2021-01-21. Review status: criteria provided, single submitter. Criteria: ACMG Guidelines, 2015. Collection method: clinical testing. Allele origin: germline.
Comment: PVS1, PM2, PS3_moderate

Women's Health and Genetics/Laboratory Corporation of America, LabCorp
Classification: Pathogenic for Ataxia-telangiectasia syndrome. Last evaluated: 2019-10-07. Review status: criteria provided, single submitter. Criteria: LabCorp Variant Classification Summary - May 2015. Collection method: clinical testing. Allele origin: germline.
Comment: Variant summary: ATM c.3154-2A>G is located in a canonical splice-site and is predicted to affect mRNA splicing resulting in a significantly altered protein due to either exon skipping, shortening, or inclusion of intronic material. Several computational tools predict a significant impact on normal splicing: Four predict the variant abolishes a 3' acceptor site. At least one publication reports experimental evidence that this variant affects mRNA splicing as resulting in the insertion of 14 nucleotides from intron 21 into the transcript, causing a frameshift mutation that disrupts the 3'-AG splice site (p.Ala1052Phefs*17) (Jeong_2014). The variant was absent in 251096 control chromosomes. c.3154-2A>G has been reported in the literature in individuals affected with Ataxia-Telangiectasia (Laake_2000), individuals undergoing cancer panel testing (Susswein_2016) and at-least one patient with Oesophageal cancer in whom it was grouped among genes known to be associated to a cancer predisposition but as unlikely to have explained the associated cancer phenotype (Bertelsen_2019). These data indicate that the variant may be associated with disease. Five clinical diagnostic laboratories have submitted clinical-significance assessments for this variant to ClinVar after 2014 without evidence for independent evaluation. All laboratories classified the variant as pathogenic. Based on the evidence outlined above, the variant was classified as pathogenic.

Revvity Omics, Revvity
Classification: Pathogenic for Ataxia-telangiectasia syndrome. Last evaluated: 2019-04-08. Review status: criteria provided, single submitter. Criteria: ACMG Guidelines, 2015. Collection method: clinical testing. Allele origin: germline.

Counsyl
Classification: Pathogenic for Ataxia-telangiectasia syndrome. Last evaluated: 2017-05-24. Review status: no assertion criteria provided. Collection method: clinical testing. Allele origin: unknown. Not counted in ClinVar's aggregate classification.

Literature cited by the submitters: PubMed 10980530 (cited by 6 submitters); PubMed 31263571 (cited by Labcorp Genetics (formerly Invitae), Labcorp and Women's Health and Genetics/Laboratory Corporation of America, LabCorp); PubMed 24422204 (cited by 3 submitters); PubMed 29922827 (cited by Color Diagnostics, LLC DBA Color Health); PubMed 35078243 (cited by Color Diagnostics, LLC DBA Color Health); PubMed 26681312 (cited by Women's Health and Genetics/Laboratory Corporation of America, LabCorp); PubMed 14695534 (cited by Counsyl).